The following is an entry in ClinVar:

NM_003743.5(NCOA1):c.3085C>T (p.Arg1029Ter)

Gene: NCOA1 (nuclear receptor coactivator 1; plus strand). Cytogenetic location: 2p23.3.
Variant type: single nucleotide variant.
Coding change: c.3085C>T on transcript NM_003743.5 (MANE Select); coding-DNA position 3085, C replaced by T.
Protein change: p.Arg1029Ter; replaces arginine 1029 with a stop codon.
Molecular consequence: nonsense.
Genome position (GRCh38, 1-based): chr2:24,729,699, C>T. VCF-style: chr2-24729699-C-T. GRCh37 (hg19) VCF-style: chr2-24952568-C-T.
Other names: c.3085C>T, p.Arg1029Ter (NM_001362950.1, NM_001362952.1, NM_001362954.1 and 3 more transcripts); short protein forms R1029*.
Identifiers: ClinVar variation 3352166 (VCV003352166.1).
Genomic context (GRCh38, chr2:24,729,699, plus strand): 5'-CAAGGCATGGTCAGGCAAAAACCTTCACTGGGGACGATGCCTGTTCAAGTAACACCTCCC[C>T]GAGGTGCTTTTTCACCTGGCATGGGCATGCAGCCCAGGCAAACTCTAAACAGACCTCCGG-3'

ClinVar aggregate classification (germline): Uncertain significance (0 of 4 stars; one submission).

Conditions:
NCOA1-related disorder. Also called: NCOA1-related condition.

gnomAD v4.1: 1 of 1,614,196 alleles (0.000062%); highest among the groups gnomAD compares: Non-Finnish European, 0.000085%; no homozygotes.

Submission:

PreventionGenetics, part of Exact Sciences
Classification: Uncertain significance for NCOA1-related condition. Last evaluated: 2023-11-30. Review status: no assertion criteria provided. Collection method: clinical testing. Allele origin: germline.
Comment: The NCOA1 c.3085C>T variant is predicted to result in premature protein termination (p.Arg1029*). To our knowledge, this variant has not been reported in the literature or in a large population database, indicating this variant is rare. At this time, the clinical significance of this variant is uncertain due to the absence of conclusive functional and genetic evidence.